The following is an entry in ClinVar:

NM_181776.3(SLC36A2):c.378G>A (p.Thr126=)

Gene: SLC36A2 (solute carrier family 36 member 2; minus strand). Cytogenetic location: 5q33.1.
Variant type: single nucleotide variant.
Coding change: c.378G>A on transcript NM_181776.3 (MANE Select); coding-DNA position 378, G replaced by A.
Protein change: p.Thr126=; no amino-acid change (threonine 126 retained).
Molecular consequence: synonymous variant.
Genome position (GRCh38, 1-based): chr5:151,342,950, C>T on the plus strand (G>A on the coding strand, the complement: SLC36A2 is on the minus strand). VCF-style: chr5-151342950-C-T. GRCh37 (hg19) VCF-style: chr5-150722511-C-T.
Other names: c.378G>A (NM_181776.2).
Identifiers: ClinVar variation 2164542 (VCV002164542.7), dbSNP rs111393736, ClinGen allele CA3518915.

ClinVar aggregate classification (germline): Likely benign. Review status: criteria provided, multiple submitters, no conflicts (2 of 4 stars). 3 submissions from 3 submitters: Likely benign (2). 1 of the submissions does not count toward it. Last evaluated 2024-11-14.

Conditions:
SLC36A2-related disorder. Also called: SLC36A2-related condition.

Allele frequency attached by ClinVar (database versions not stated): ESP Exome Variant Server 0.00008; TOPMed 0.00009; ExAC 0.00010; gnomAD 0.00011; gnomAD exomes 0.00016.
gnomAD v4.1: 288 of 1,614,066 alleles (0.018%); highest among the groups gnomAD compares: African/African-American, 0.031%; 1 homozygote.

Submissions (3):

Blueprint Genetics
Classification: Likely benign. Last evaluated: 2024-11-14. Review status: criteria provided, single submitter. Criteria: ACMG Guidelines, 2015. Collection method: clinical testing. Allele origin: germline.

Labcorp Genetics (formerly Invitae), Labcorp
Classification: Likely benign. Last evaluated: 2022-08-06. Review status: criteria provided, single submitter. Criteria: Invitae Variant Classification Sherloc (09022015). Collection method: clinical testing. Allele origin: germline.

PreventionGenetics, part of Exact Sciences
Classification: Likely benign for SLC36A2-related condition. Last evaluated: 2019-09-26. Review status: no assertion criteria provided. Collection method: clinical testing. Allele origin: germline. Not counted in ClinVar's aggregate classification.
Comment: This variant is classified as likely benign based on ACMG/AMP sequence variant interpretation guidelines (Richards et al. 2015 PMID: 25741868, with internal and published modifications).